The following is an entry in ClinVar:

ClinVar aggregate classification (germline): Uncertain significance (1 of 4 stars; one submission).

Conditions:
Neuropathy, hereditary sensory, type 2C. Also called: KIF1A-Related HSAN2 (HSAN2C); Hereditary sensory and autonomic neuropathy type IIC. Identifiers: Orphanet 970, MedGen C3280168, MONDO:0013634, OMIM 614213.
Intellectual disability, autosomal dominant 9 (NESCAVS). Also called: NESCAV SYNDROME; KIF1A-Related Neurodevelopmental Disorder. Identifiers: Orphanet 662367, MedGen C5393830, MONDO:0013656, OMIM 614255.
Hereditary spastic paraplegia 30. Identifiers: Orphanet 101010, MedGen C5235139, MONDO:0012476.

Submission:

Labcorp Genetics (formerly Invitae), Labcorp
Classification: Uncertain significance for Spastic paraplegia 30, autosomal recessive; Hereditary sensory and autonomic neuropathy type IIC; Mental retardation, autosomal dominant 9. Last evaluated: 2018-09-21. Review status: criteria provided, single submitter. Criteria: Invitae Variant Classification Sherloc (09022015). Collection method: clinical testing. Allele origin: germline.
Comment: This variant results in a copy number gain of the genomic region encompassing exons 14-46of the KIF1A gene. The 5' boundary is likely confined to intron 13. The 3' end of this event is unknown as it extends beyond the assayed region for this gene and therefore may encompass additional genes. As the precise location of this event is unknown, it may be in tandem or it may be located elsewhere in the genome. This variant has not been reported in the literature in individuals with KIF1A-related disease. In summary, the available evidence is currently insufficient to determine the role of this variant in disease. Therefore, it has been classified as a Variant of Uncertain Significance.

NC_000002.11:g.(?_241656771)_(241709123_?)dup

Genes: KIF1A (kinesin family member 1A; minus strand), LOC126806583 (P300/CBP strongly-dependent group 1 enhancer GRCh37_chr2:241678910-241680109; plus strand). Cytogenetic location: 2q37.3.
Variant type: Duplication.
Identifiers: ClinVar variation 660141 (VCV000660141.1).